The following is an entry in ClinVar:

ClinVar aggregate classification (germline): Uncertain significance. Review status: criteria provided, multiple submitters, no conflicts (2 of 4 stars). 2 submissions from 2 submitters: Uncertain significance (2). Last evaluated 2024-12-04.

Conditions:
Bloom syndrome (BLM). Also called: Bloom-Torre-Machacek syndrome. Identifiers: Orphanet 125, MedGen C0005859, MONDO:0008876, OMIM 210900.
Hereditary cancer-predisposing syndrome. Also called: Neoplastic Syndromes, Hereditary; Hereditary neoplastic syndrome; Tumor predisposition; Hereditary Cancer Syndrome. Identifiers: Orphanet 140162, MedGen C0027672, MeSH D009386, MONDO:0015356.

Submissions (2):

Ambry Genetics
Classification: Uncertain significance for Hereditary cancer-predisposing syndrome. Last evaluated: 2024-12-04. Review status: criteria provided, single submitter. Criteria: Ambry Variant Classification Scheme 2023. Collection method: clinical testing. Allele origin: germline.
Comment: The p.D389G variant (also known as c.1166A>G), located in coding exon 5 of the BLM gene, results from an A to G substitution at nucleotide position 1166. The aspartic acid at codon 389 is replaced by glycine, an amino acid with similar properties. This amino acid position is conserved. In addition, this alteration is predicted to be tolerated by in silico analysis. Based on the available evidence, the clinical significance of this variant remains unclear.

Labcorp Genetics (formerly Invitae), Labcorp
Classification: Uncertain significance for Bloom syndrome. Last evaluated: 2024-07-01. Review status: criteria provided, single submitter. Criteria: Invitae Variant Classification Sherloc (09022015). Collection method: clinical testing. Allele origin: germline.
Comment: This sequence change replaces aspartic acid, which is acidic and polar, with glycine, which is neutral and non-polar, at codon 389 of the BLM protein (p.Asp389Gly). This variant is not present in population databases (gnomAD no frequency). This variant has not been reported in the literature in individuals affected with BLM-related conditions. ClinVar contains an entry for this variant (Variation ID: 524754). Advanced modeling of protein sequence and biophysical properties (such as structural, functional, and spatial information, amino acid conservation, physicochemical variation, residue mobility, and thermodynamic stability) performed at Invitae indicates that this missense variant is not expected to disrupt BLM protein function with a negative predictive value of 80%. In summary, the available evidence is currently insufficient to determine the role of this variant in disease. Therefore, it has been classified as a Variant of Uncertain Significance.

NM_000057.4(BLM):c.1166A>G (p.Asp389Gly)

Gene: BLM (BLM RecQ like helicase; plus strand). Cytogenetic location: 15q26.1.
Variant type: single nucleotide variant.
Coding change: c.1166A>G on transcript NM_000057.4 (MANE Select); coding-DNA position 1166, A replaced by G.
Protein change: p.Asp389Gly; replaces aspartic acid 389 with glycine.
Molecular consequence: missense variant.
Genome position (GRCh38, 1-based): chr15:90,760,225, A>G. VCF-style: chr15-90760225-A-G. GRCh37 (hg19) VCF-style: chr15-91303455-A-G.
Other names: c.1166A>G, p.Asp389Gly (NM_001287246.2, NM_001287247.2); c.41A>G, p.Asp14Gly (NM_001287248.2); c.1166A>G (NM_000057.2); short protein forms D389G, D14G.
Identifiers: ClinVar variation 524754 (VCV000524754.10), dbSNP rs1555419732, ClinGen allele CA393842457.